The following is an entry in ClinVar:

NM_001005388.3(NFASC):c.819C>G (p.Val273=)

Gene: NFASC (neurofascin; plus strand). Cytogenetic location: 1q32.1.
Variant type: single nucleotide variant.
Coding change: c.819C>G on transcript NM_001005388.3 (MANE Select); coding-DNA position 819, C replaced by G.
Protein change: p.Val273=; no amino-acid change (valine 273 retained).
Molecular consequence: synonymous variant. On other transcripts: non-coding transcript variant (1).
Genome position (GRCh38, 1-based): chr1:204,968,798, C>G. VCF-style: chr1-204968798-C-G. GRCh37 (hg19) VCF-style: chr1-204937926-C-G.
Other names: c.819C>G, p.Val273= (NM_001005389.2, NM_001378329.1); c.852C>G, p.Val284= (NM_001160331.2, NM_001160332.2, NM_001365986.1 and 3 more transcripts); c.801C>G, p.Val267= (NM_001160333.2).
Identifiers: ClinVar variation 3043224 (VCV003043224.2), dbSNP rs2095095688, ClinGen allele CA422873195.

ClinVar aggregate classification (germline): Likely benign (0 of 4 stars; one submission).

Conditions:
NFASC-related disorder. Also called: NFASC-related condition.

Allele frequency attached by ClinVar (database versions not stated): gnomAD exomes 0.00001.
gnomAD v4.1: 7 of 1,611,980 alleles (0.00043%); highest among the groups gnomAD compares: African/African-American, 0.0093%; no homozygotes.

Submission:

PreventionGenetics, part of Exact Sciences
Classification: Likely benign for NFASC-related condition. Last evaluated: 2019-07-01. Review status: no assertion criteria provided. Collection method: clinical testing. Allele origin: germline.
Comment: This variant is classified as likely benign based on ACMG/AMP sequence variant interpretation guidelines (Richards et al. 2015 PMID: 25741868, with internal and published modifications).